The following is an entry in ClinVar:

NM_001267550.2(TTN):c.11546C>T (p.Pro3849Leu)

Gene: TTN (titin; minus strand). Cytogenetic location: 2q31.2.
Variant type: single nucleotide variant.
Coding change: c.11546C>T on transcript NM_001267550.2 (MANE Select); coding-DNA position 11546, C replaced by T.
Protein change: p.Pro3849Leu; replaces proline 3849 with leucine.
Molecular consequence: missense variant. On other transcripts: intron variant (1).
Genome position (GRCh38, 1-based): chr2:178,741,687, G>A on the plus strand (C>T on the coding strand, the complement: TTN is on the minus strand). VCF-style: chr2-178741687-G-A. GRCh37 (hg19) VCF-style: chr2-179606414-G-A.
Other names: p.P3532L:CCT>CTT; c.10595C>T, p.Pro3532Leu (NM_001256850.1); c.10832C>T, p.Pro3611Leu (NM_133432.3); c.10457C>T, p.Pro3486Leu (NM_003319.4); c.11033C>T, p.Pro3678Leu (NM_133437.4); c.10361-3327C>T (NM_133378.4); short protein forms P3611L, P3849L, P3532L, P3486L, P3678L.
Identifiers: ClinVar variation 166244 (VCV000166244.5), dbSNP rs727503662, ClinGen allele CA179051.
Genomic context (GRCh38, chr2:178,741,687, plus strand): 5'-ACAAATTTGTAGTCAGCAGAAGGGGTTAATAGCACTCCATTAAAGAACCACTGAATTTTA[G>A]GTTTGGGGATGCCAATGACAGTTACAGACAGTGTAGCCACATCCCCCATGCTTATATCAG-3'
Protein context (NP_001254479.2, residues 3839-3859): LSVTVIGIPK[Pro3849Leu]KIQWFFNGVL

ClinVar aggregate classification (germline): Uncertain significance. Review status: criteria provided, single submitter (1 of 4 stars). 2 submissions from 2 submitters: Uncertain significance (1). 1 of the submissions does not count toward it. Last evaluated 2013-07-17.

Allele frequency attached by ClinVar (database versions not stated): gnomAD exomes below 0.00001.
gnomAD v4.1: 3 of 1,613,768 alleles (0.00019%); highest among the groups gnomAD compares: Non-Finnish European, 0.00025%; no homozygotes.

Submissions (2):

Laboratory for Molecular Medicine, Mass General Brigham Personalized Medicine
Classification: Uncertain significance. Last evaluated: 2013-07-17. Review status: criteria provided, single submitter. Criteria: LMM Criteria. Collection method: clinical testing. Allele origin: germline. Observed: 1 variant allele.
Comment: The Pro3611Leu variant in TTN has not been reported in the literature or in larg e population studies. Computational predictions are limited or unavailable for t his variant. Additional information is needed to fully assess the clinical signi ficance of this variant.

GeneDx
No classification provided. Last evaluated: 2014-04-08. Review status: no classification provided. Criteria: GeneDx Variant Classification (06012015). Collection method: clinical testing. Allele origin: germline. Affected: yes. Not counted in ClinVar's aggregate classification.
Comment: Missense variants in the TTN gene are considered 'unclassified' if they are not previously reported in the literature and do not have >1% frequency in the population to be considered a polymorphism. Research indicates that truncating mutations in the TTN gene are expected to account for approximately 25% of familial and 18% of sporadic idiopathic DCM; however, truncating variants in the TTN gene have been reported in approximately 3% of reported control alleles. There has been little investigation into non-truncating variants. (Herman D et al. Truncations of titin causing dilated cardiomyopathy. N Eng J Med 366:619-628, 2012) The variant is found in CARDIOMYOPATHY panel(s).